The following is an entry in ClinVar:

NM_001349253.2(SCN11A):c.2618G>A (p.Cys873Tyr)

Gene: SCN11A (sodium voltage-gated channel alpha subunit 11; minus strand). Cytogenetic location: 3p22.2.
Variant type: single nucleotide variant.
Coding change: c.2618G>A on transcript NM_001349253.2 (MANE Select); coding-DNA position 2618, G replaced by A.
Protein change: p.Cys873Tyr; replaces cysteine 873 with tyrosine.
Molecular consequence: missense variant.
Genome position (GRCh38, 1-based): chr3:38,894,750, C>T on the plus strand (G>A on the coding strand, the complement: SCN11A is on the minus strand). VCF-style: chr3-38894750-C-T. GRCh37 (hg19) VCF-style: chr3-38936241-C-T.
Other names: c.2618G>A, p.Cys873Tyr (NM_014139.3); short protein forms C873Y.
Identifiers: ClinVar variation 855416 (VCV000855416.6), dbSNP rs750182649, ClinGen allele CA2322005.

ClinVar aggregate classification (germline): Uncertain significance (1 of 4 stars; one submission).

Conditions:
Hereditary sensory and autonomic neuropathy type 7. Also called: Neuropathy, hereditary sensory and autonomic, type VII; HSAN VII. Identifiers: Orphanet 391397, MedGen C3809882, MONDO:0014244, OMIM 615548.
Familial episodic pain syndrome with predominantly lower limb involvement. Also called: Episodic pain syndrome, familial, 3. Identifiers: Orphanet 391384, Orphanet 391392, MedGen C3809899, MONDO:0014247, OMIM 615552.

Allele frequency attached by ClinVar (database versions not stated): gnomAD 0.00002; TOPMed 0.00002.
gnomAD v4.1: 6 of 1,614,092 alleles (0.00037%); highest among the groups gnomAD compares: African/African-American, 0.0067%; no homozygotes.

Submission:

Labcorp Genetics (formerly Invitae), Labcorp
Classification: Uncertain significance for Familial episodic pain syndrome with predominantly lower limb involvement; Hereditary sensory and autonomic neuropathy type 7. Last evaluated: 2022-12-02. Review status: criteria provided, single submitter. Criteria: Invitae Variant Classification Sherloc (09022015). Collection method: clinical testing. Allele origin: germline.
Comment: In summary, the available evidence is currently insufficient to determine the role of this variant in disease. Therefore, it has been classified as a Variant of Uncertain Significance. Algorithms developed to predict the effect of missense changes on protein structure and function (SIFT, PolyPhen-2, Align-GVGD) all suggest that this variant is likely to be tolerated. ClinVar contains an entry for this variant (Variation ID: 855416). This variant has not been reported in the literature in individuals affected with SCN11A-related conditions. This variant is present in population databases (rs750182649, gnomAD 0.02%). This sequence change replaces cysteine, which is neutral and slightly polar, with tyrosine, which is neutral and polar, at codon 873 of the SCN11A protein (p.Cys873Tyr).